The following is an entry in ClinVar:

ClinVar aggregate classification (germline): Benign/Likely benign. Review status: criteria provided, multiple submitters, no conflicts (2 of 4 stars). 2 submissions from 2 submitters: Benign (1); Likely benign (1). Last evaluated 2024-10-04.

Conditions:
Heterotaxy, visceral, 4, autosomal (HTX4). Identifiers: Orphanet 450, MedGen C3151057, MONDO:0013403, OMIM 613751.

Allele frequency attached by ClinVar (database versions not stated): 1000 Genomes Project 30x 0.00047; 1000 Genomes Project 0.00060; TOPMed 0.00136; gnomAD 0.00146 and 0.00156; gnomAD exomes 0.00163 and 0.00255; ExAC 0.00186; ESP Exome Variant Server 0.00192.
gnomAD v4.1: 3,915 of 1,613,882 alleles (0.24%); highest among the groups gnomAD compares: Non-Finnish European, 0.3%; 9 homozygotes.

Submissions (2):

Blueprint Genetics
Classification: Likely benign. Last evaluated: 2024-10-04. Review status: criteria provided, single submitter. Criteria: ACMG Guidelines, 2015. Collection method: clinical testing. Allele origin: germline.

Illumina Laboratory Services, Illumina
Classification: Benign for Heterotaxy, visceral, 4, autosomal. Last evaluated: 2018-01-13. Review status: criteria provided, single submitter. Criteria: ICSL Variant Classification Criteria 13 December 2019. Collection method: clinical testing. Allele origin: germline.
Comment: This variant was observed in the ICSL laboratory as part of a predisposition screen in an ostensibly healthy population. It had not been previously curated by ICSL or reported in the Human Gene Mutation Database (HGMD: prior to June 1st, 2018), and was therefore a candidate for classification through an automated scoring system. Utilizing variant allele frequency, disease prevalence and penetrance estimates, and inheritance mode, an automated score was calculated to assess if this variant is too frequent to cause the disease. Based on the score and internal cut-off values, a variant classified as benign is not then subjected to further curation. The score for this variant resulted in a classification of benign for this disease.

NM_001106.4(ACVR2B):c.*15T>C

Gene: ACVR2B (activin A receptor type 2B; plus strand). Cytogenetic location: 3p22.2.
Variant type: single nucleotide variant.
Coding change: c.*15T>C on transcript NM_001106.4 (MANE Select); 15 bases downstream of the stop codon, T replaced by C.
Molecular consequence: 3 prime UTR variant.
Genome position (GRCh38, 1-based): chr3:38,483,347, T>C. VCF-style: chr3-38483347-T-C. GRCh37 (hg19) VCF-style: chr3-38524838-T-C.
Identifiers: ClinVar variation 344921 (VCV000344921.6), dbSNP rs45457192, ClinGen allele CA2319109.